The following is an entry in ClinVar:

NM_018163.3(DNAJC17):c.320CCCAGG[3] (p.Gln110_Glu111insAlaGln)

Gene: DNAJC17 (DnaJ heat shock protein family (Hsp40) member C17; minus strand). Cytogenetic location: 15q15.1.
Variant type: Microsatellite.
Coding change: c.320CCCAGG[3] on transcript NM_018163.3 (MANE Select); three copies in a row of the 6-base unit CCCAGG starting at c.320; the reference has two copies in a row; one copy, 6 bases duplicated.
Protein change: p.Gln110_Glu111insAlaGln.
Molecular consequence: inframe insertion.
Genome position (GRCh38, 1-based): chr15:40,776,592-40,776,597, CCTGGG duplicated on the plus strand (CCCAGG on the coding strand, the reverse complement: DNAJC17 is on the minus strand); duplicating any 6 consecutive bases within chr15:40,776,592-40,776,607 gives the same sequence; the position shown is the placement nearest the transcript's 3' end. VCF-style (leftmost placement, unchanged base first): chr15-40776591-T-TCCTGGG. GRCh37 (hg19) VCF-style: chr15-41068789-T-TCCTGGG.
Identifiers: ClinVar variation 2179128 (VCV002179128.4), dbSNP rs769946160, ClinGen allele CA7485208.

ClinVar aggregate classification (germline): Uncertain significance (1 of 4 stars; one submission).

Submission:

Labcorp Genetics (formerly Invitae), Labcorp
Classification: Uncertain significance. Last evaluated: 2025-12-26. Review status: criteria provided, single submitter. Criteria: Invitae Variant Classification Sherloc (09022015). Collection method: clinical testing. Allele origin: germline.
Comment: This variant, c.326_331dup, results in the insertion of 2 amino acid(s) of the DNAJC17 protein (p.Ala109_Gln110dup), but otherwise preserves the integrity of the reading frame. This variant is present in population databases (rs769946160, gnomAD 0.04%). This variant has not been reported in the literature in individuals affected with DNAJC17-related conditions. In summary, the available evidence is currently insufficient to determine the role of this variant in disease. Therefore, it has been classified as a Variant of Uncertain Significance.